The following is an entry in ClinVar:

ClinVar aggregate classification (germline): Conflicting classifications of pathogenicity. Review status: criteria provided, conflicting classifications (1 of 4 stars). 2 submissions from 2 submitters: Uncertain significance (1); Likely benign (1). Last evaluated 2023-12-26.

Conditions:
Spastic paraplegia. Identifiers: MedGen C0037772, HP:0001258.

gnomAD v4.1: 3 of 1,613,692 alleles (0.00019%); highest among the groups gnomAD compares: South Asian, 0.0022%; no homozygotes.

Submissions (2):

Labcorp Genetics (formerly Invitae), Labcorp
Classification: Likely benign for Spastic paraplegia. Last evaluated: 2023-12-26. Review status: criteria provided, single submitter. Criteria: Invitae Variant Classification Sherloc (09022015). Collection method: clinical testing. Allele origin: germline.

GeneDx
Classification: Uncertain significance. Last evaluated: 2019-09-20. Review status: criteria provided, single submitter. Criteria: GeneDx Variant Classification Process June 2021. Collection method: clinical testing. Allele origin: germline. Affected: yes.
Comment: Has not been previously published as pathogenic or benign to our knowledge; Not observed at a significant frequency in large population cohorts (Lek et al., 2016); In silico analysis, which includes protein predictors and evolutionary conservation, supports that this variant does not alter protein structure/function

NM_014363.6(SACS):c.7306A>G (p.Ile2436Val)

Gene: SACS (sacsin molecular chaperone; minus strand). Cytogenetic location: 13q12.12.
Variant type: single nucleotide variant.
Coding change: c.7306A>G on transcript NM_014363.6 (MANE Select); coding-DNA position 7306, A replaced by G.
Protein change: p.Ile2436Val; replaces isoleucine 2436 with valine.
Molecular consequence: missense variant.
Genome position (GRCh38, 1-based): chr13:23,336,570, T>C on the plus strand (A>G on the coding strand, the complement: SACS is on the minus strand). VCF-style: chr13-23336570-T-C. GRCh37 (hg19) VCF-style: chr13-23910709-T-C.
Other names: c.6865A>G, p.Ile2289Val (NM_001278055.2); short protein forms I2289V, I2436V.
Identifiers: ClinVar variation 1312308 (VCV001312308.5), dbSNP rs567650774, ClinGen allele CA387519591.
Genomic context (GRCh38, chr13:23,336,570, plus strand): 5'-TATCTGGCAATAATATCTTGCCATAATTTTTCTCACAAAATTCTTGTTTCTTTTCTCTAA[T>C]GAGACTCCATATTCCTTCACTGATTATTCGTCGGCAAAGCTGAAAATTCTCTTCTGTTAT-3'
Protein context (NP_055178.3, residues 2426-2446): RIISEGIWSL[Ile2436Val]REKKQEFCEK